The following is an entry in ClinVar:

NM_017617.5(NOTCH1):c.4691A>C (p.His1564Pro)

Gene: NOTCH1 (notch receptor 1; minus strand). Cytogenetic location: 9q34.3.
Variant type: single nucleotide variant.
Coding change: c.4691A>C on transcript NM_017617.5 (MANE Select); coding-DNA position 4691, A replaced by C.
Protein change: p.His1564Pro; replaces histidine 1564 with proline.
Molecular consequence: missense variant.
Genome position (GRCh38, 1-based): chr9:136,505,000, T>G on the plus strand (A>C on the coding strand, the complement: NOTCH1 is on the minus strand). VCF-style: chr9-136505000-T-G. GRCh37 (hg19) VCF-style: chr9-139399452-T-G.
Other names: short protein forms H1564P.
Identifiers: ClinVar variation 3365079 (VCV003365079.1).

ClinVar aggregate classification (germline): Uncertain significance (1 of 4 stars; one submission).

Submission:

GeneDx
Classification: Uncertain significance. Last evaluated: 2023-11-29. Review status: criteria provided, single submitter. Criteria: GeneDx Variant Classification Process June 2021. Collection method: clinical testing. Allele origin: germline. Affected: yes.
Comment: Not observed at significant frequency in large population cohorts (gnomAD); In silico analysis supports that this missense variant does not alter protein structure/function; Has not been previously published as pathogenic or benign to our knowledge